The following is an entry in ClinVar:

NC_000009.11:g.(?_140972546)_(141000279_?)dup

Gene: CACNA1B (calcium voltage-gated channel subunit alpha1 B; plus strand). Cytogenetic location: 9q34.3.
Variant type: Duplication.
Identifiers: ClinVar variation 2423361 (VCV002423361.4).

ClinVar aggregate classification (germline): Likely pathogenic (1 of 4 stars; one submission).

Submission:

Labcorp Genetics (formerly Invitae), Labcorp
Classification: Likely pathogenic. Last evaluated: 2022-07-04. Review status: criteria provided, single submitter. Criteria: Invitae Variant Classification Sherloc (09022015). Collection method: clinical testing. Allele origin: germline.
Comment: In summary, the currently available evidence indicates that the variant is pathogenic, but additional data are needed to prove that conclusively. Therefore, this variant has been classified as Likely Pathogenic. This variant has not been reported in the literature in individuals affected with CACNA1B-related conditions. This variant results in a copy number gain of the genomic region encompassing exon(s) 36-39 of the CACNA1B gene. While the exact position of this variant cannot be determined from the data, sub-genic copy number gains are generally in tandem (PMID: 25640679). This variant is predicted to be out-of-frame, and may result in an absent or disrupted protein product. Loss-of-function variants in CACNA1B are known to be pathogenic (PMID: 30982612).

Literature cited by the submitters: PubMed 25640679; PubMed 30982612.